The following is an entry in ClinVar:

NM_014679.5(CEP57):c.1244T>C (p.Ile415Thr)

Gene: CEP57 (centrosomal protein 57; plus strand). Cytogenetic location: 11q21.
Variant type: single nucleotide variant.
Coding change: c.1244T>C on transcript NM_014679.5 (MANE Select); coding-DNA position 1244, T replaced by C.
Protein change: p.Ile415Thr; replaces isoleucine 415 with threonine.
Molecular consequence: missense variant.
Genome position (GRCh38, 1-based): chr11:95,829,303, T>C. VCF-style: chr11-95829303-T-C. GRCh37 (hg19) VCF-style: chr11-95562467-T-C.
Other names: c.1217T>C, p.Ile406Thr (NM_001243776.2); c.1166T>C, p.Ile389Thr (NM_001243777.2); c.1163T>C, p.Ile388Thr (NM_001363604.2); short protein forms I406T, I415T, I388T, I389T.
Identifiers: ClinVar variation 4001011 (VCV004001011.1).

ClinVar aggregate classification (germline): Uncertain significance (1 of 4 stars; one submission).

Conditions:
Inborn genetic diseases. Identifiers: MedGen C0950123, MeSH D030342.

Submission:

Ambry Genetics
Classification: Uncertain significance for Inborn genetic diseases. Last evaluated: 2025-04-12. Review status: criteria provided, single submitter. Criteria: Ambry Variant Classification Scheme 2023. Collection method: clinical testing. Allele origin: germline.
Comment: The p.I415T variant (also known as c.1244T>C), located in coding exon 10 of the CEP57 gene, results from a T to C substitution at nucleotide position 1244. The isoleucine at codon 415 is replaced by threonine, an amino acid with similar properties. This amino acid position is conserved. In addition, this alteration is predicted to be deleterious by in silico analysis. Based on the available evidence, the clinical significance of this variant remains unclear.